The following is an entry in ClinVar:

NM_001378615.1(CC2D2A):c.3301C>A (p.Pro1101Thr)

Genes: CC2D2A (coiled-coil and C2 domain containing 2A; plus strand), FBXL5 (F-box and leucine rich repeat protein 5; minus strand). Cytogenetic location: 4p15.32.
Variant type: single nucleotide variant.
Coding change: c.3301C>A on transcript NM_001378615.1 (MANE Select); coding-DNA position 3301, C replaced by A.
Protein change: p.Pro1101Thr; replaces proline 1101 with threonine.
Molecular consequence: missense variant.
Genome position (GRCh38, 1-based): chr4:15,567,689, C>A. VCF-style: chr4-15567689-C-A. GRCh37 (hg19) VCF-style: chr4-15569312-C-A.
Other names: c.3301C>A, p.Pro1101Thr (NM_001080522.2); c.3154C>A, p.Pro1052Thr (NM_001378617.1); short protein forms P1052T, P1101T.
Identifiers: ClinVar variation 3235237 (VCV003235237.1), dbSNP rs2475074474.

ClinVar aggregate classification (germline): Uncertain significance (1 of 4 stars; one submission).

Conditions:
Meckel syndrome, type 6. Identifiers: Orphanet 564, MedGen C2676790, MONDO:0012848, OMIM 612284.

Allele frequency attached by ClinVar (database versions not stated): gnomAD exomes below 0.00001.
gnomAD v4.1: 1 of 1,601,888 alleles (0.000062%); no homozygotes.

Submission:

MVZ Medizinische Genetik Mainz
Classification: Uncertain significance for Meckel syndrome, type 6. Last evaluated: 2021-10-22. Review status: criteria provided, single submitter. Criteria: UK Practice Guidelines For Variant Classification V4 01 2020. Collection method: clinical testing. Allele origin: germline. Inheritance: Autosomal recessive inheritance. Affected: yes. Observed: 1 variant allele.
Comment: ACMG Criteria: PM2_SUP, PP3, PP4 (ACMG Version 3); Compound Heterozygote